The following is an entry in ClinVar:

NM_006493.4(CLN5):c.26A>G (p.Gln9Arg)

Gene: CLN5 (CLN5 lysosomal BMP synthase; plus strand). Cytogenetic location: 13q22.3.
Variant type: single nucleotide variant.
Coding change: c.26A>G on transcript NM_006493.4 (MANE Select); coding-DNA position 26, A replaced by G.
Protein change: p.Gln9Arg; replaces glutamine 9 with arginine.
Molecular consequence: missense variant.
Genome position (GRCh38, 1-based): chr13:76,992,124, A>G. VCF-style: chr13-76992124-A-G. GRCh37 (hg19) VCF-style: chr13-77566259-A-G.
Other names: c.26A>G, p.Gln9Arg (NM_001366624.2); short protein forms Q9R.
Identifiers: ClinVar variation 1063685 (VCV001063685.8), dbSNP rs1230755416, ClinGen allele CA388306293.
Genomic context (GRCh38, chr13:76,992,124, plus strand): 5'-CCTCGAGAGGCTCCGGAAGTACTGGGTGCAGCCTGATGGCGCAGGAGGTAGACACGGCAC[A>G]GGGCGCCGAGATGCGGCGGGGCGCGGGCGCGGCTCGGGGACGCGCTTCCTGGTGCTGGGC-3'
Protein context (NP_006484.2, residues 1-19): MAQEVDTA[Gln9Arg]GAEMRRGAGA

ClinVar aggregate classification (germline): Uncertain significance (1 of 4 stars; one submission).

Conditions:
Neuronal ceroid lipofuscinosis. Also called: Neuronal Ceroid Lipofuscinoses. Identifiers: Orphanet 216, Orphanet 79263, MedGen C0027877, MONDO:0016295. Disease mechanism: loss of function.

Allele frequency attached by ClinVar (database versions not stated): gnomAD exomes below 0.00001; gnomAD 0.00001.
gnomAD v4.1: 5 of 1,610,610 alleles (0.00031%); highest among the groups gnomAD compares: African/African-American, 0.0027%; no homozygotes.

Submission:

Labcorp Genetics (formerly Invitae), Labcorp
Classification: Uncertain significance for Neuronal ceroid lipofuscinosis. Last evaluated: 2024-02-17. Review status: criteria provided, single submitter. Criteria: Invitae Variant Classification Sherloc (09022015). Collection method: clinical testing. Allele origin: germline.
Comment: This sequence change replaces glutamine, which is neutral and polar, with arginine, which is basic and polar, at codon 58 of the CLN5 protein (p.Gln58Arg). This variant is present in population databases (no rsID available, gnomAD 0.009%). This variant has not been reported in the literature in individuals affected with CLN5-related conditions. ClinVar contains an entry for this variant (Variation ID: 1063685). Advanced modeling of protein sequence and biophysical properties (such as structural, functional, and spatial information, amino acid conservation, physicochemical variation, residue mobility, and thermodynamic stability) performed at Invitae indicates that this missense variant is not expected to disrupt CLN5 protein function with a negative predictive value of 95%. In summary, the available evidence is currently insufficient to determine the role of this variant in disease. Therefore, it has been classified as a Variant of Uncertain Significance.